The following is an entry in ClinVar:

NM_001145358.2(SIN3A):c.2803C>T (p.Arg935Ter)

Gene: SIN3A (SIN3 transcription regulator family member A; minus strand). Cytogenetic location: 15q24.2.
Variant type: single nucleotide variant.
Coding change: c.2803C>T on transcript NM_001145358.2 (MANE Select); coding-DNA position 2803, C replaced by T.
Protein change: p.Arg935Ter; replaces arginine 935 with a stop codon.
Molecular consequence: nonsense.
Genome position (GRCh38, 1-based): chr15:75,392,290, G>A on the plus strand (C>T on the coding strand, the complement: SIN3A is on the minus strand). VCF-style: chr15-75392290-G-A. GRCh37 (hg19) VCF-style: chr15-75684631-G-A.
Other names: c.2803C>T, p.Arg935Ter (NM_001145357.2, NM_015477.3); short protein forms R935*.
Identifiers: ClinVar variation 1325072 (VCV001325072.7), dbSNP rs2141424841, ClinGen allele CA393490408.

ClinVar aggregate classification (germline): Pathogenic/Likely pathogenic. Review status: criteria provided, multiple submitters, no conflicts (2 of 4 stars). 3 submissions from 3 submitters: Pathogenic (2); Likely pathogenic (1). Last evaluated 2026-04-20.

Conditions:
SIN3A-related intellectual disability syndrome due to a point mutation. Also called: 15q24 Microdeletion Syndrome; WITTEVEEN-KOLK SYNDROME. Identifiers: Orphanet 500166, Orphanet 94065, MedGen C4310804, MONDO:0044700, OMIM 613406.

Submissions (3):

Dasa
Classification: Pathogenic. Last evaluated: 2026-04-20. Review status: criteria provided, single submitter. Criteria: DASA Assertion Criteria. Collection method: clinical testing. Allele origin: germline.
Comment: NM_001145358.2(SIN3A):c.2803C>T (p.Arg935*) introduces a premature termination codon predicted to result in loss of normal protein function. Loss-of-function is an established mechanism of disease for this gene. De novo occurrence has been reported in an individual with related phenotype. The variant is present at low frequency in population datasets. Based on the available data, this variant is classified as pathogenic.

Laboratorio de Genetica e Diagnostico Molecular, Hospital Israelita Albert Einstein
Classification: Pathogenic for SIN3A-related intellectual disability syndrome due to a point mutation. Last evaluated: 2021-10-21. Review status: criteria provided, single submitter. Criteria: ACMG Guidelines, 2015. Collection method: clinical testing. Allele origin: germline. Affected: yes.
Comment: ACMG classification criteria: PVS1 very strong, PS4 supporting, PM2 moderate, PM6 supporting

Revvity Omics, Revvity
Classification: Likely pathogenic for SIN3A-related intellectual disability syndrome due to a point mutation. Last evaluated: 2021-04-18. Review status: criteria provided, single submitter. Criteria: ACMG Guidelines, 2015. Collection method: clinical testing. Allele origin: germline.